The following is an entry in ClinVar:

NM_201253.3(CRB1):c.2258T>C (p.Leu753Pro)

Gene: CRB1 (crumbs cell polarity complex component 1; plus strand). Cytogenetic location: 1q31.3.
Variant type: single nucleotide variant.
Coding change: c.2258T>C on transcript NM_201253.3 (MANE Select); coding-DNA position 2258, T replaced by C.
Protein change: p.Leu753Pro; replaces leucine 753 with proline.
Molecular consequence: missense variant. On other transcripts: non-coding transcript variant (2), intron variant (1).
Genome position (GRCh38, 1-based): chr1:197,427,583, T>C. VCF-style: chr1-197427583-T-C. GRCh37 (hg19) VCF-style: chr1-197396713-T-C.
Other names: c.1922T>C, p.Leu641Pro (NM_001193640.2); c.2051T>C, p.Leu684Pro (NM_001257965.2); c.2128+5627T>C (NM_001257966.2); short protein forms L684P, L753P, L641P.
Identifiers: ClinVar variation 959447 (VCV000959447.12), dbSNP rs896160584, ClinGen allele CA35900458.

ClinVar aggregate classification (germline): Conflicting classifications of pathogenicity. Review status: criteria provided, conflicting classifications (1 of 4 stars). 4 submissions from 4 submitters: Pathogenic (1); Likely pathogenic (1); Uncertain significance (2). Last evaluated 2024-10-29.

Conditions:
Retinal dystrophy. Also called: Inherited retinal dystrophy. Identifiers: Orphanet 71862, MedGen C0854723, MeSH D058499, MONDO:0019118, HP:0000556.
Retinitis pigmentosa 12 (RP12). Also called: RP WITH OR WITHOUT PPRPE; RP WITH OR WITHOUT PRESERVED PARAARTERIOLE RETINAL PIGMENT EPITHELIUM; RETINITIS PIGMENTOSA WITH OR WITHOUT PARAARTERIOLAR PRESERVATION OF RETINAL PIGMENT EPITHELIUM. Identifiers: Orphanet 791, MedGen C1838647, MONDO:0010818, OMIM 600105.
Leber congenital amaurosis 8 (LCA8). Identifiers: Orphanet 65, MedGen C3151202, MONDO:0013453, OMIM 613835.
Pigmented paravenous retinochoroidal atrophy. Identifiers: Orphanet 251295, MedGen C1868310, MONDO:0008246, OMIM 172870.

Allele frequency attached by ClinVar (database versions not stated): TOPMed below 0.00001.

Submissions (4):

Labcorp Genetics (formerly Invitae), Labcorp
Classification: Pathogenic for Leber congenital amaurosis 8; Retinitis pigmentosa 12. Last evaluated: 2024-10-29. Review status: criteria provided, single submitter. Criteria: Invitae Variant Classification Sherloc (09022015). Collection method: clinical testing. Allele origin: germline.
Comment: This sequence change replaces leucine, which is neutral and non-polar, with proline, which is neutral and non-polar, at codon 753 of the CRB1 protein (p.Leu753Pro). This variant is not present in population databases (gnomAD no frequency). This missense change has been observed in individual(s) with Leber congenital amaurosis or retinitis pigmentosa (PMID: 16936081; internal data). In at least one individual the data is consistent with being in trans (on the opposite chromosome) from a pathogenic variant. ClinVar contains an entry for this variant (Variation ID: 959447). Invitae Evidence Modeling of protein sequence and biophysical properties (such as structural, functional, and spatial information, amino acid conservation, physicochemical variation, residue mobility, and thermodynamic stability) indicates that this missense variant is expected to disrupt CRB1 protein function with a positive predictive value of 95%. For these reasons, this variant has been classified as Pathogenic.

Fulgent Genetics
Classification: Likely pathogenic for Pigmented paravenous retinochoroidal atrophy; Retinitis pigmentosa 12; Leber congenital amaurosis 8. Last evaluated: 2024-01-04. Review status: criteria provided, single submitter. Criteria: ACMG Guidelines, 2015. Collection method: clinical testing. Allele origin: germline.

GeneDx
Classification: Uncertain significance. Last evaluated: 2021-05-11. Review status: criteria provided, single submitter. Criteria: GeneDx Variant Classification Process June 2021. Collection method: clinical testing. Allele origin: germline. Affected: yes.
Comment: Not observed in large population cohorts (Lek et al., 2016); In silico analysis supports that this missense variant has a deleterious effect on protein structure/function; Identified in an individual with Leber Congenital Amaurosis in published literature who also harbored a second CRB1 variant, presumably in trans; this individual's similarly affected siblings and mother with markedly abnormal mfERG findings in one eye were heterozygous for the L753P variant and did not harbor the second CRB1 variant identified in the proband (Yzer et al., 2006); This variant is associated with the following publications: (PMID: 15691574, 16936081)

Institute of Human Genetics, Univ. Regensburg, Univ. Regensburg
Classification: Uncertain significance for Retinal dystrophy. Last evaluated: 2021-01-01. Review status: criteria provided, single submitter. Criteria: ACMG Guidelines, 2015. Collection method: clinical testing. Allele origin: germline. Affected: yes.

Literature cited by the submitters: PubMed 16936081 (cited by Labcorp Genetics (formerly Invitae), Labcorp); PubMed 15691574 (cited by Institute of Human Genetics, Univ. Regensburg, Univ. Regensburg).